The following is an entry in ClinVar:

ClinVar aggregate classification (germline): Conflicting classifications of pathogenicity. Review status: criteria provided, conflicting classifications (1 of 4 stars). 2 submissions from 2 submitters: Uncertain significance (1); Benign (1). Last evaluated 2025-09-16.

Conditions:
Hereditary cancer-predisposing syndrome. Also called: Tumor predisposition; Hereditary neoplastic syndrome; Hereditary Cancer Syndrome; Neoplastic Syndromes, Hereditary. Identifiers: Orphanet 140162, MedGen C0027672, MeSH D009386, MONDO:0015356.
Familial adenomatous polyposis 2. Also called: COLORECTAL ADENOMATOUS POLYPOSIS, AUTOSOMAL RECESSIVE; ADENOMAS, MULTIPLE COLORECTAL, AUTOSOMAL RECESSIVE; MUTYH-related attenuated familial adenomatous polyposis; MUTYH-associated polyposis; MYH-associated polyposis; MUTYH Polyposis. Identifiers: Orphanet 220460, Orphanet 247798, MedGen C3272841, MONDO:0012041, OMIM 608456.

Submissions (2):

Ambry Genetics
Classification: Benign for Hereditary cancer-predisposing syndrome. Last evaluated: 2025-09-16. Review status: criteria provided, single submitter. Criteria: Ambry Variant Classification Scheme 2023. Collection method: clinical testing. Allele origin: germline.

Labcorp Genetics (formerly Invitae), Labcorp
Classification: Uncertain significance for Familial adenomatous polyposis 2. Last evaluated: 2023-03-24. Review status: criteria provided, single submitter. Criteria: Invitae Variant Classification Sherloc (09022015). Collection method: clinical testing. Allele origin: germline.
Comment: This sequence change replaces alanine, which is neutral and non-polar, with serine, which is neutral and polar, at codon 273 of the MUTYH protein (p.Ala273Ser). This variant is not present in population databases (gnomAD no frequency). This variant has not been reported in the literature in individuals affected with MUTYH-related conditions. An algorithm developed to predict the effect of missense changes on protein structure and function (PolyPhen-2) suggests that this variant is likely to be tolerated. In summary, the available evidence is currently insufficient to determine the role of this variant in disease. Therefore, it has been classified as a Variant of Uncertain Significance.

NM_001048174.2(MUTYH):c.733G>T (p.Ala245Ser)

Gene: MUTYH (mutY DNA glycosylase; minus strand). Cytogenetic location: 1p34.1.
Variant type: single nucleotide variant.
Coding change: c.733G>T on transcript NM_001048174.2 (MANE Select); coding-DNA position 733, G replaced by T.
Protein change: p.Ala245Ser; replaces alanine 245 with serine.
Molecular consequence: missense variant. On other transcripts: non-coding transcript variant (7).
Genome position (GRCh38, 1-based): chr1:45,332,282, C>A on the plus strand (G>T on the coding strand, the complement: MUTYH is on the minus strand). VCF-style: chr1-45332282-C-A. GRCh37 (hg19) VCF-style: chr1-45797954-C-A.
Other names: c.766G>T, p.Ala256Ser (NM_001407077.1, NM_001293191.2, NM_001407069.1); c.736G>T, p.Ala246Ser (NM_001407078.1, NM_001407086.1, NM_001048172.2 and 1 more transcripts); c.694G>T, p.Ala232Ser (NM_001407079.1); c.691G>T, p.Ala231Ser (NM_001407080.1); c.733G>T, p.Ala245Ser (NM_001407081.1, NM_001048171.2, NM_001048173.2 and 6 more transcripts); c.388G>T, p.Ala130Ser (NM_001407082.1, NM_001350650.2, NM_001350651.2); c.775G>T, p.Ala259Ser (NM_001407083.1, NM_001407085.1); c.754G>T, p.Ala252Ser (NM_001407087.1); and 5 more; short protein forms A153S, A246S, A252S, A256S, A259S, A270S, A130S, A231S.
Identifiers: ClinVar variation 2849021 (VCV002849021.5), dbSNP rs1645047324, ClinGen allele CA340134673.